The following is an entry in ClinVar:

NM_014714.4(IFT140):c.3928G>A (p.Ala1310Thr)

Gene: IFT140 (intraflagellar transport 140; minus strand). Cytogenetic location: 16p13.3.
Variant type: single nucleotide variant.
Coding change: c.3928G>A on transcript NM_014714.4 (MANE Select); coding-DNA position 3928, G replaced by A.
Protein change: p.Ala1310Thr; replaces alanine 1310 with threonine.
Molecular consequence: missense variant.
Genome position (GRCh38, 1-based): chr16:1,519,993, C>T on the plus strand (G>A on the coding strand, the complement: IFT140 is on the minus strand). VCF-style: chr16-1519993-C-T. GRCh37 (hg19) VCF-style: chr16-1569994-C-T.
Other names: c.3928G>A (NM_014714.3); short protein forms A1310T.
Identifiers: ClinVar variation 1020405 (VCV001020405.8), dbSNP rs1055889482, ClinGen allele CA276675331.

ClinVar aggregate classification (germline): Uncertain significance. Review status: criteria provided, multiple submitters, no conflicts (2 of 4 stars). 3 submissions from 3 submitters: Uncertain significance (3). Last evaluated 2025-11-05.

Conditions:
Inborn genetic diseases. Identifiers: MedGen C0950123, MeSH D030342.
Saldino-Mainzer syndrome (SRTD9). Also called: Renal dysplasia, retinal pigmentary dystrophy, cerebellar ataxia and skeletal dysplasia; SHORT-RIB THORACIC DYSPLASIA 9 WITHOUT POLYDACTYLY; CONORENAL SYNDROME; short-rib thoracic dysplasia 9 with or without polydactyly. Identifiers: Orphanet 140969, MedGen C1849437, MONDO:0009964, OMIM 266920.

Allele frequency attached by ClinVar (database versions not stated): gnomAD 0.00001; gnomAD exomes 0.00001; TOPMed 0.00002.
gnomAD v4.1: 4 of 1,605,682 alleles (0.00025%); highest among the groups gnomAD compares: Non-Finnish European, 0.00025%; no homozygotes.

Submissions (3):

Ambry Genetics
Classification: Uncertain significance for Inborn genetic diseases. Last evaluated: 2025-11-05. Review status: criteria provided, single submitter. Criteria: Ambry Variant Classification Scheme 2023. Collection method: clinical testing. Allele origin: germline.

Blueprint Genetics
Classification: Uncertain significance. Last evaluated: 2024-09-10. Review status: criteria provided, single submitter. Criteria: ACMG Guidelines, 2015. Collection method: clinical testing. Allele origin: germline.

Labcorp Genetics (formerly Invitae), Labcorp
Classification: Uncertain significance for Saldino-Mainzer syndrome. Last evaluated: 2023-10-03. Review status: criteria provided, single submitter. Criteria: Invitae Variant Classification Sherloc (09022015). Collection method: clinical testing. Allele origin: germline.
Comment: This sequence change replaces alanine, which is neutral and non-polar, with threonine, which is neutral and polar, at codon 1310 of the IFT140 protein (p.Ala1310Thr). This variant is not present in population databases (gnomAD no frequency). This variant has not been reported in the literature in individuals affected with IFT140-related conditions. ClinVar contains an entry for this variant (Variation ID: 1020405). Advanced modeling of protein sequence and biophysical properties (such as structural, functional, and spatial information, amino acid conservation, physicochemical variation, residue mobility, and thermodynamic stability) has been performed at Invitae for this missense variant, however the output from this modeling did not meet the statistical confidence thresholds required to predict the impact of this variant on IFT140 protein function. In summary, the available evidence is currently insufficient to determine the role of this variant in disease. Therefore, it has been classified as a Variant of Uncertain Significance.